The following is an entry in ClinVar:

ClinVar aggregate classification (germline): Uncertain significance (1 of 4 stars; one submission).

Conditions:
Charcot-Marie-Tooth disease type 2. Also called: Charcot-Marie-Tooth type 2. Identifiers: Orphanet 64746, MedGen C0270914, MONDO:0018993.

Allele frequency attached by ClinVar (database versions not stated): ExAC 0.00001; gnomAD 0.00003; ESP Exome Variant Server 0.00008; TOPMed 0.00001; gnomAD exomes below 0.00001.
gnomAD v4.1: 10 of 1,614,026 alleles (0.00062%); highest among the groups gnomAD compares: Middle Eastern, 0.016%; no homozygotes.

Submission:

Labcorp Genetics (formerly Invitae), Labcorp
Classification: Uncertain significance for Charcot-Marie-Tooth disease type 2. Last evaluated: 2022-05-25. Review status: criteria provided, single submitter. Criteria: Invitae Variant Classification Sherloc (09022015). Collection method: clinical testing. Allele origin: germline.
Comment: In summary, the available evidence is currently insufficient to determine the role of this variant in disease. Therefore, it has been classified as a Variant of Uncertain Significance. Algorithms developed to predict the effect of sequence changes on RNA splicing suggest that this variant may disrupt the consensus splice site. Algorithms developed to predict the effect of missense changes on protein structure and function (SIFT, PolyPhen-2, Align-GVGD) all suggest that this variant is likely to be tolerated. ClinVar contains an entry for this variant (Variation ID: 852368). This variant has not been reported in the literature in individuals affected with BSCL2-related conditions. This variant is present in population databases (rs369511412, gnomAD 0.002%). This sequence change replaces methionine, which is neutral and non-polar, with valine, which is neutral and non-polar, at codon 255 of the BSCL2 protein (p.Met255Val).

NM_001122955.4(BSCL2):c.955A>G (p.Met319Val)

Genes: BSCL2 (BSCL2 lipid droplet biogenesis associated, seipin; minus strand), HNRNPUL2-BSCL2 (HNRNPUL2-BSCL2 readthrough (NMD candidate); minus strand). Cytogenetic location: 11q12.3.
Variant type: single nucleotide variant.
Coding change: c.955A>G on transcript NM_001122955.4 (MANE Select); coding-DNA position 955, A replaced by G.
Protein change: p.Met319Val; replaces methionine 319 with valine.
Molecular consequence: missense variant. On other transcripts: non-coding transcript variant (1), intron variant (1).
Genome position (GRCh38, 1-based): chr11:62,691,330, T>C on the plus strand (A>G on the coding strand, the complement: BSCL2 is on the minus strand). VCF-style: chr11-62691330-T-C. GRCh37 (hg19) VCF-style: chr11-62458802-T-C.
Other names: c.955A>G, p.Met319Val (NM_001386027.1, NM_001386028.1); c.763A>G, p.Met255Val (NM_032667.6); c.672-189A>G (NM_001130702.2); short protein forms M255V, M319V.
Identifiers: ClinVar variation 852368 (VCV000852368.9), dbSNP rs369511412, ClinGen allele CA6053400.